The following is an entry in ClinVar:

NM_001267550.2(TTN):c.63611del (p.Pro21204fs)

Genes: TTN (titin; minus strand), TTN-AS1 (TTN antisense RNA 1; plus strand). Cytogenetic location: 2q31.2.
Variant type: Deletion.
Coding change: c.63611del on transcript NM_001267550.2 (MANE Select); coding-DNA position 63611, one base deleted (C; older notation c.63611delC).
Protein change: p.Pro21204fs; shifts the reading frame from proline 21204.
Molecular consequence: frameshift variant.
Genome position (GRCh38, 1-based): chr2:178,587,698, G deleted on the plus strand (C on the coding strand, the reverse complement: TTN is on the minus strand); the first of 4 consecutive G bases (chr2:178,587,698-178,587,701); deleting any one gives the same sequence. VCF-style (leftmost placement, unchanged base first): chr2-178587697-AG-A. GRCh37 (hg19) VCF-style: chr2-179452424-AG-A.
Other names: c.36992del, p.Pro12331fs (NM_133437.4); c.58688del, p.Pro19563fs (NM_001256850.1); c.63608delC, p.Pro21204Leufs (NM_001267550.1); c.36416del, p.Pro12139fs (NM_003319.4); c.55907del, p.Pro18636fs (NM_133378.4); c.36791del, p.Pro12264fs (NM_133432.3); short protein forms P18636fs, P12139fs, P12264fs, P19563fs, P12331fs, P21204fs.
Identifiers: ClinVar variation 4795271 (VCV004795271.1).

ClinVar aggregate classification (germline): Likely pathogenic (1 of 4 stars; one submission).

Submission:

GeneDx
Classification: Likely pathogenic. Last evaluated: 2025-08-15. Review status: criteria provided, single submitter. Criteria: GeneDx Variant Classification Process June 2021. Collection method: clinical testing. Allele origin: germline. Affected: yes.
Comment: Frameshift variant predicted to result in protein truncation or nonsense mediated decay in a gene for which loss of function is a known mechanism of disease; Not observed at significant frequency in large population cohorts (gnomAD); Has not been previously published as pathogenic or benign to our knowledge; This variant is associated with the following publications: (PMID: 22335739, 32778822)